The following is an entry in ClinVar:

ClinVar aggregate classification (germline): Pathogenic (1 of 4 stars; one submission).

Conditions:
Fabry disease. Also called: ALPHA-GALACTOSIDASE A DEFICIENCY; ANDERSON-FABRY DISEASE; CERAMIDE TRIHEXOSIDASE DEFICIENCY; GLA DEFICIENCY; HEREDITARY DYSTOPIC LIPIDOSIS; Angiokeratoma corporis diffusum. Identifiers: Orphanet 324, MedGen C0002986, MONDO:0010526, OMIM 301500, HP:0001071. Disease mechanism: Fabry disease is due to inactivating mutations in the X-linked GLA gene resulting in deficiency of the enzyme Alpha Galactosidase-A., loss of function.

Submission:

Genomenon, Inc
Classification: Pathogenic for Fabry disease. Last evaluated: 2026-09-08. Review status: criteria provided, single submitter. Criteria: Genomenon Sequence Variant Interpretation Standards - Updated. Collection method: curation. Allele origin: germline. Affected: yes.
Comment: GLA p.Gly171Cys (c.511G>T) is a missense variant that changes the amino acid at codon 171 from Glycine to Cysteine. This variant has been observed in at least one proband with clinical features consistent with Fabry disease (PMID:18555667). The variant was found to segregate with disease in at least one affected family (PMID:18555667). At least one functional study has demonstrated a substantial alteration in protein function relative to the wild-type (PMID:27657681). This variant is located in a mutational hotspot and/or important functional domain. It is absent or not present at a significant frequency in gnomAD. In silico models predict that this variant is possibly or probably damaging. In conclusion, we classify GLA p.Gly171Cys (c.511G>T) as a pathogenic variant.

Literature cited by the submitters: PubMed 18555667; PubMed 27657681.

NM_000169.3(GLA):c.511G>T (p.Gly171Cys)

Genes: GLA (galactosidase alpha; minus strand), RPL36A-HNRNPH2 (RPL36A-HNRNPH2 readthrough; plus strand). Cytogenetic location: Xq22.1.
Variant type: single nucleotide variant.
Coding change: c.511G>T on transcript NM_000169.3 (MANE Select); coding-DNA position 511, G replaced by T.
Protein change: p.Gly171Cys; replaces glycine 171 with cysteine.
Molecular consequence: missense variant. On other transcripts: non-coding transcript variant (3), intron variant (2).
Genome position (GRCh38, 1-based): chrX:101,401,668, C>A on the plus strand (G>T on the coding strand, the complement: GLA is on the minus strand). VCF-style: chrX-101401668-C-A. GRCh37 (hg19) VCF-style: chrX-100656656-C-A.
Other names: c.634G>T, p.Gly212Cys (NM_001406747.1, NM_001406749.1); c.511G>T, p.Gly171Cys (NM_001406748.1); c.300+6211C>A (NM_001199973.2); c.177+9846C>A (NM_001199974.2); short protein forms G171C, G212C.
Identifiers: ClinVar variation 4087403 (VCV004087403.2).